The following is an entry in ClinVar:

ClinVar aggregate classification (germline): Uncertain significance. Review status: criteria provided, multiple submitters, no conflicts (2 of 4 stars). 2 submissions from 2 submitters: Uncertain significance (2). Last evaluated 2018-12-27.

Conditions:
Charcot-Marie-Tooth disease type 4. Also called: Charcot-Marie-Tooth, Type 4; Charcot-Marie-Tooth disease, type IV. Identifiers: Orphanet 64749, MedGen C4082197, MONDO:0018995.

gnomAD v4.1: 1 of 1,609,562 alleles (0.000062%); no homozygotes.

Submissions (2):

Athena Diagnostics
Classification: Uncertain significance. Last evaluated: 2018-12-27. Review status: criteria provided, single submitter. Criteria: Athena Diagnostics Criteria. Collection method: clinical testing. Allele origin: germline.

Labcorp Genetics (formerly Invitae), Labcorp
Classification: Uncertain significance for Charcot-Marie-Tooth disease type 4. Last evaluated: 2018-10-16. Review status: criteria provided, single submitter. Criteria: Invitae Variant Classification Sherloc (09022015). Collection method: clinical testing. Allele origin: germline.
Comment: In summary, the available evidence is currently insufficient to determine the role of this variant in disease. Therefore, it has been classified as a Variant of Uncertain Significance. Algorithms developed to predict the effect of missense changes on protein structure and function output the following: SIFT: "Tolerated"; PolyPhen-2: "Benign"; Align-GVGD: "Class C0". The isoleucine amino acid residue is found in multiple mammalian species, suggesting that this missense change does not adversely affect protein function. These predictions have not been confirmed by published functional studies and their clinical significance is uncertain. This variant has not been reported in the literature in individuals with FGD4-related disease. This variant is not present in population databases (ExAC no frequency). This sequence change replaces methionine with isoleucine at codon 199 of the FGD4 protein (p.Met199Ile). The methionine residue is moderately conserved and there is a small physicochemical difference between methionine and isoleucine.

NM_001370298.3(FGD4):c.1008G>C (p.Met336Ile)

Gene: FGD4 (FYVE, RhoGEF and PH domain containing 4; plus strand). Cytogenetic location: 12p11.21.
Variant type: single nucleotide variant.
Coding change: c.1008G>C on transcript NM_001370298.3 (MANE Select); coding-DNA position 1008, G replaced by C.
Protein change: p.Met336Ile; replaces methionine 336 with isoleucine.
Molecular consequence: missense variant. On other transcripts: non-coding transcript variant (1), intron variant (1), 5 prime UTR variant (2).
Genome position (GRCh38, 1-based): chr12:32,582,464, G>C. VCF-style: chr12-32582464-G-C. GRCh37 (hg19) VCF-style: chr12-32735398-G-C.
Other names: c.1008G>C, p.Met336Ile (NM_001384126.1); c.597G>C, p.Met199Ile (NM_001384127.1, NM_001384128.1, NM_001384131.1 and 3 more transcripts); c.318G>C, p.Met106Ile (NM_001384130.1, NM_001330373.2, NM_001330374.2); c.49-16033G>C (NM_001370297.1); c.852G>C, p.Met284Ile (NM_001304481.2); c.-248G>C (NM_001304483.2); c.-555G>C (NM_001304484.2); short protein forms M106I, M284I, M199I, M336I.
Identifiers: ClinVar variation 664034 (VCV000664034.9), dbSNP rs1592295526, ClinGen allele CA384356604.